The following is an entry in ClinVar:

NM_138386.3(NAF1):c.336G>C (p.Glu112Asp)

Gene: NAF1 (nuclear assembly factor 1 ribonucleoprotein; minus strand). Cytogenetic location: 4q32.2.
Variant type: single nucleotide variant.
Coding change: c.336G>C on transcript NM_138386.3 (MANE Select); coding-DNA position 336, G replaced by C.
Protein change: p.Glu112Asp; replaces glutamic acid 112 with aspartic acid.
Molecular consequence: missense variant.
Genome position (GRCh38, 1-based): chr4:163,166,392, C>G on the plus strand (G>C on the coding strand, the complement: NAF1 is on the minus strand). VCF-style: chr4-163166392-C-G. GRCh37 (hg19) VCF-style: chr4-164087544-C-G.
Other names: c.336G>C, p.Glu112Asp (NM_001128931.2); short protein forms E112D.
Identifiers: ClinVar variation 3000641 (VCV003000641.3), dbSNP rs746528513, ClinGen allele CA358661499.

ClinVar aggregate classification (germline): Uncertain significance (1 of 4 stars; one submission).

Allele frequency attached by ClinVar (database versions not stated): gnomAD 0.00001.
gnomAD v4.1: 4 of 1,607,060 alleles (0.00025%); highest among the groups gnomAD compares: Admixed American, 0.0017%; no homozygotes.

Submission:

Labcorp Genetics (formerly Invitae), Labcorp
Classification: Uncertain significance. Last evaluated: 2023-11-04. Review status: criteria provided, single submitter. Criteria: Invitae Variant Classification Sherloc (09022015). Collection method: clinical testing. Allele origin: germline.
Comment: This sequence change replaces glutamic acid, which is acidic and polar, with aspartic acid, which is acidic and polar, at codon 112 of the NAF1 protein (p.Glu112Asp). This variant is present in population databases (no rsID available, gnomAD 0.007%). This variant has not been reported in the literature in individuals affected with NAF1-related conditions. An algorithm developed to predict the effect of missense changes on protein structure and function (PolyPhen-2) suggests that this variant is likely to be tolerated. In summary, the available evidence is currently insufficient to determine the role of this variant in disease. Therefore, it has been classified as a Variant of Uncertain Significance.